The following is an entry in ClinVar:

ClinVar aggregate classification (germline): Uncertain significance (1 of 4 stars; one submission).

Allele frequency attached by ClinVar (database versions not stated): TOPMed below 0.00001.
gnomAD v4.1: 4 of 1,614,192 alleles (0.00025%); highest among the groups gnomAD compares: Non-Finnish European, 0.00034%; no homozygotes.

Submission:

Labcorp Genetics (formerly Invitae), Labcorp
Classification: Uncertain significance. Last evaluated: 2024-01-02. Review status: criteria provided, single submitter. Criteria: Invitae Variant Classification Sherloc (09022015). Collection method: clinical testing. Allele origin: germline.
Comment: This sequence change replaces isoleucine, which is neutral and non-polar, with lysine, which is basic and polar, at codon 332 of the TRPM1 protein (p.Ile332Lys). This variant is not present in population databases (gnomAD no frequency). This variant has not been reported in the literature in individuals affected with TRPM1-related conditions. ClinVar contains an entry for this variant (Variation ID: 971137). Advanced modeling of protein sequence and biophysical properties (such as structural, functional, and spatial information, amino acid conservation, physicochemical variation, residue mobility, and thermodynamic stability) has been performed at Invitae for this missense variant, however the output from this modeling did not meet the statistical confidence thresholds required to predict the impact of this variant on TRPM1 protein function. In summary, the available evidence is currently insufficient to determine the role of this variant in disease. Therefore, it has been classified as a Variant of Uncertain Significance.

NM_001252024.2(TRPM1):c.1061T>A (p.Ile354Lys)

Gene: TRPM1 (transient receptor potential cation channel subfamily M member 1; minus strand). Cytogenetic location: 15q13.3.
Variant type: single nucleotide variant.
Coding change: c.1061T>A on transcript NM_001252024.2 (MANE Select); coding-DNA position 1061, T replaced by A.
Protein change: p.Ile354Lys; replaces isoleucine 354 with lysine.
Molecular consequence: missense variant.
Genome position (GRCh38, 1-based): chr15:31,062,607, A>T on the plus strand (T>A on the coding strand, the complement: TRPM1 is on the minus strand). VCF-style: chr15-31062607-A-T. GRCh37 (hg19) VCF-style: chr15-31354810-A-T.
Other names: c.1112T>A, p.Ile371Lys (NM_001252020.2); c.995T>A, p.Ile332Lys (NM_002420.6); short protein forms I371K, I354K, I332K.
Identifiers: ClinVar variation 971137 (VCV000971137.9), dbSNP rs772479213, ClinGen allele CA391524927.